The following is an entry in ClinVar:

ClinVar aggregate classification (germline): Pathogenic/Likely pathogenic. Review status: criteria provided, multiple submitters, no conflicts (2 of 4 stars). 2 submissions from 2 submitters: Pathogenic (1); Likely pathogenic (1). Last evaluated 2023-08-22.

Conditions:
Autosomal recessive osteopetrosis 1. Also called: ALBERS-SCHONBERG DISEASE, AUTOSOMAL RECESSIVE; TCIRG1-Related Osteopetrosis; TCIRG1-Related Autosomal Recessive Osteopetrosis. Identifiers: Orphanet 667, MedGen C1850127, MONDO:0009815, OMIM 259700.

Submissions (2):

Baylor Genetics
Classification: Likely pathogenic for Autosomal recessive osteopetrosis 1. Last evaluated: 2023-08-22. Review status: criteria provided, single submitter. Criteria: ACMG Guidelines, 2015. Collection method: clinical testing. Allele origin: unknown.

Labcorp Genetics (formerly Invitae), Labcorp
Classification: Pathogenic. Last evaluated: 2023-05-22. Review status: criteria provided, single submitter. Criteria: Invitae Variant Classification Sherloc (09022015). Collection method: clinical testing. Allele origin: germline.
Comment: This sequence change creates a premature translational stop signal (p.Glu275Alafs*214) in the TCIRG1 gene. It is expected to result in an absent or disrupted protein product. Loss-of-function variants in TCIRG1 are known to be pathogenic (PMID: 10888887, 10942435, 11532986, 19448635). This variant is present in population databases (no rsID available, gnomAD 0.007%). For these reasons, this variant has been classified as Pathogenic. This variant has not been reported in the literature in individuals affected with TCIRG1-related conditions.

Literature cited by the submitters: PubMed 10888887 (cited by Labcorp Genetics (formerly Invitae), Labcorp); PubMed 10942435 (cited by Labcorp Genetics (formerly Invitae), Labcorp); PubMed 11532986 (cited by Labcorp Genetics (formerly Invitae), Labcorp); PubMed 19448635 (cited by Labcorp Genetics (formerly Invitae), Labcorp).

NM_006019.4(TCIRG1):c.824_825del (p.Glu275fs)

Gene: TCIRG1 (T cell immune regulator 1, ATPase H+ transporting V0 subunit a3; plus strand). Cytogenetic location: 11q13.2.
Variant type: Microsatellite.
Coding change: c.824_825del on transcript NM_006019.4 (MANE Select); coding-DNA positions 824 to 825, 2 bases deleted (AG; older notation c.824_825delAG).
Protein change: p.Glu275fs; shifts the reading frame from glutamic acid 275.
Molecular consequence: frameshift variant. On other transcripts: 5 prime UTR variant (1).
Genome position (GRCh38, 1-based): chr11:68,044,148-68,044,149, AG deleted; deleting any 2 consecutive bases within chr11:68,044,146-68,044,149 gives the same sequence; the c. name uses the placement nearest the transcript's 3' end. VCF-style (leftmost placement, unchanged base first): chr11-68044145-CAG-C. GRCh37 (hg19) VCF-style: chr11-67811612-CAG-C.
Other names: c.-73AG[1] (NM_001351059.2); c.176_177del, p.Glu59fs (NM_006053.4); short protein forms E275fs, E59fs.
Identifiers: ClinVar variation 1069252 (VCV001069252.8), dbSNP rs1182235762, ClinGen allele CA600238629.